The following is an entry in ClinVar:

NM_017882.3(CLN6):c.486+1G>C

Gene: CLN6 (CLN6 transmembrane ER protein; minus strand). Cytogenetic location: 15q23.
Variant type: single nucleotide variant.
Coding change: c.486+1G>C on transcript NM_017882.3 (MANE Select); the canonical splice donor site of the intron after coding-DNA position 486, G replaced by C.
Molecular consequence: splice donor variant.
Genome position (GRCh38, 1-based): chr15:68,211,674, C>G on the plus strand (G>C on the coding strand, the complement: CLN6 is on the minus strand). VCF-style: chr15-68211674-C-G. GRCh37 (hg19) VCF-style: chr15-68504012-C-G.
Other names: c.582+1G>C (NM_001411068.1).
Identifiers: ClinVar variation 1066129 (VCV001066129.9), dbSNP rs756522171, ClinGen allele CA392973299.

ClinVar aggregate classification (germline): Likely pathogenic (1 of 4 stars; one submission).

Conditions:
Neuronal ceroid lipofuscinosis. Also called: Neuronal Ceroid Lipofuscinoses. Identifiers: Orphanet 216, Orphanet 79263, MedGen C0027877, MONDO:0016295. Disease mechanism: loss of function.

Submission:

Labcorp Genetics (formerly Invitae), Labcorp
Classification: Likely pathogenic for Neuronal ceroid lipofuscinosis. Last evaluated: 2025-10-26. Review status: criteria provided, single submitter. Criteria: Invitae Variant Classification Sherloc (09022015). Collection method: clinical testing. Allele origin: germline.
Comment: This sequence change affects a donor splice site in intron 4 of the CLN6 gene. It is expected to disrupt RNA splicing. Variants that disrupt the donor or acceptor splice site typically lead to a loss of protein function (PMID: 16199547), and loss-of-function variants in CLN6 are known to be pathogenic (PMID: 19135028). This variant is not present in population databases (gnomAD no frequency). Disruption of this splice site has been observed in individual(s) with neuronal ceroid lipofuscinosis type 6 (PMID: 12673792, 30561534). ClinVar contains an entry for this variant (Variation ID: 1066129). Algorithms developed to predict the effect of sequence changes on RNA splicing suggest that this variant may disrupt the consensus splice site. In summary, the currently available evidence indicates that the variant is pathogenic, but additional data are needed to prove that conclusively. Therefore, this variant has been classified as Likely Pathogenic.

Literature cited by the submitters: PubMed 16199547; PubMed 19135028; PubMed 12673792; PubMed 30561534.